The following is an entry in ClinVar:

NM_006662.3(SRCAP):c.7551A>C (p.Gln2517His)

Gene: SRCAP (Snf2 related CREBBP activator protein; plus strand). Cytogenetic location: 16p11.2.
Variant type: single nucleotide variant.
Coding change: c.7551A>C on transcript NM_006662.3 (MANE Select); coding-DNA position 7551, A replaced by C.
Protein change: p.Gln2517His; replaces glutamine 2517 with histidine.
Molecular consequence: missense variant.
Genome position (GRCh38, 1-based): chr16:30,737,591, A>C. VCF-style: chr16-30737591-A-C. GRCh37 (hg19) VCF-style: chr16-30748912-A-C.
Other names: short protein forms Q2517H.
Identifiers: ClinVar variation 1437447 (VCV001437447.6), dbSNP rs780091907, ClinGen allele CA8012508.

ClinVar aggregate classification (germline): Uncertain significance (1 of 4 stars; one submission).

Allele frequency attached by ClinVar (database versions not stated): TOPMed below 0.00001; ExAC 0.00001; gnomAD exomes 0.00001.
gnomAD v4.1: 8 of 1,613,760 alleles (0.0005%); highest among the groups gnomAD compares: Non-Finnish European, 0.00059%; no homozygotes.

Submission:

Labcorp Genetics (formerly Invitae), Labcorp
Classification: Uncertain significance. Last evaluated: 2024-05-15. Review status: criteria provided, single submitter. Criteria: Invitae Variant Classification Sherloc (09022015). Collection method: clinical testing. Allele origin: germline.
Comment: This sequence change replaces glutamine, which is neutral and polar, with histidine, which is basic and polar, at codon 2517 of the SRCAP protein (p.Gln2517His). This variant is present in population databases (rs780091907, gnomAD 0.01%). This variant has not been reported in the literature in individuals affected with SRCAP-related conditions. ClinVar contains an entry for this variant (Variation ID: 1437447). Advanced modeling of protein sequence and biophysical properties (such as structural, functional, and spatial information, amino acid conservation, physicochemical variation, residue mobility, and thermodynamic stability) performed at Invitae indicates that this missense variant is not expected to disrupt SRCAP protein function with a negative predictive value of 80%. In summary, the available evidence is currently insufficient to determine the role of this variant in disease. Therefore, it has been classified as a Variant of Uncertain Significance.